The following is an entry in ClinVar:

ClinVar aggregate classification (germline): Pathogenic. Review status: reviewed by expert panel (3 of 4 stars). 9 submissions from 9 submitters: Pathogenic (1). 8 of the submissions do not count toward it. Last evaluated 2016-09-08.

Conditions:
Hereditary cancer-predisposing syndrome. Also called: Tumor predisposition; Hereditary neoplastic syndrome; Hereditary Cancer Syndrome; Neoplastic Syndromes, Hereditary. Identifiers: Orphanet 140162, MedGen C0027672, MeSH D009386, MONDO:0015356.
Hereditary breast ovarian cancer syndrome. Also called: Hereditary breast and/or ovarian cancer syndrome; Breast and ovarian cancer; Hereditary breast and ovarian cancer; Hereditary breast and ovarian cancer syndrome; Hereditary breast and ovarian cancer syndrome (HBOC); BRCA1- and BRCA2-Associated Hereditary Breast and Ovarian Cancer. Identifiers: Orphanet 145, MedGen C0677776, MeSH D061325, MONDO:0003582. Disease mechanism: loss of function.
Familial cancer of breast. Also called: BREAST CANCER, FAMILIAL; Hereditary breast cancer; hereditary breast carcinoma. Identifiers: Orphanet 227535, MedGen C0346153, MONDO:0016419, OMIM 114480. Disease mechanism: loss of function.
Breast-ovarian cancer, familial, susceptibility to, 2 (BROVCA2). Also called: BRCA2 Hereditary Breast and Ovarian Cancer. Identifiers: Orphanet 145, MedGen C2675520, MONDO:0012933, OMIM 612555. Disease mechanism: loss of function.

Submissions (9):

Evidence-based Network for the Interpretation of Germline Mutant Alleles (ENIGMA)
Classification: Pathogenic for Breast-ovarian cancer, familial, susceptibility to, 2. Last evaluated: 2016-09-08. Review status: reviewed by expert panel. Criteria: ENIGMA BRCA1/2 Classification Criteria (2015). Collection method: curation. Allele origin: germline.
Comment: Variant allele predicted to encode a truncated non-functional protein.

Color Diagnostics, LLC DBA Color Health
Classification: Pathogenic for Hereditary cancer-predisposing syndrome. Last evaluated: 2025-07-25. Review status: criteria provided, single submitter. Criteria: ACMG Guidelines, 2015. Collection method: clinical testing. Allele origin: germline. Not counted in ClinVar's aggregate classification.
Comment: This variant deletes 1 nucleotide in exon 27 of the BRCA2 gene, creating a frameshift at amino acid residue 3230 and a truncated variant protein of 3247 a.a. compared to the reference protein of 3418 a.a. Although this variant is not predicted to trigger nonsense-mediated decay, it causes the partial loss of the RAD51 binding domain (PMID: 9126738, 9192668) and the nuclear localization signals (PMID: 10570174). A known deleterious protein truncation p.Tyr3308* has been shown to be functionally defective (PMID: 18607349), suggesting that the C-terminal protein disruption of this frameshift could impact function. Therefore, this variant is expected to result in an absent or non-functional protein product. Two other frameshift and truncation variants near this position have also been reported as disease-causing in ClinVar (variation ID: 823404, 1069551). To our knowledge, this variant has not been reported in individuals affected with BRCA2-related disorders in the literature. This variant has been identified in 1/250150 chromosomes in the general population by the Genome Aggregation Database (gnomAD). Loss of BRCA2 function is a known mechanism of disease. Based on the available evidence, this variant is classified as Pathogenic.

GeneDx
Classification: Pathogenic. Last evaluated: 2025-05-30. Review status: criteria provided, single submitter. Criteria: GeneDx Variant Classification Process June 2021. Collection method: clinical testing. Allele origin: germline. Not counted in ClinVar's aggregate classification.
Comment: Frameshift variant predicted to result in protein truncation in a gene for which loss of function is a known mechanism of disease; Not observed at significant frequency in large population cohorts (gnomAD); Truncating variants in this gene are considered pathogenic by a well-established clinical consortium and/or database; Has not been previously published as pathogenic or benign to our knowledge; Also known as 9917del; This variant is associated with the following publications: (PMID: 29922827, 35595529, 10733923, 9126738)

Labcorp Genetics (formerly Invitae), Labcorp
Classification: Pathogenic for Hereditary breast ovarian cancer syndrome. Last evaluated: 2025-03-19. Review status: criteria provided, single submitter. Criteria: Invitae Variant Classification Sherloc (09022015). Collection method: clinical testing. Allele origin: germline. Not counted in ClinVar's aggregate classification.
Comment: This sequence change creates a premature translational stop signal (p.Leu3230Tyrfs*19) in the BRCA2 gene. While this is not anticipated to result in nonsense mediated decay, it is expected to disrupt the last 189 amino acid(s) of the BRCA2 protein. This variant is present in population databases (rs755175776, gnomAD 0.003%). This variant has not been reported in the literature in individuals affected with BRCA2-related conditions. ClinVar contains an entry for this variant (Variation ID: 254636). Experimental studies and prediction algorithms are not available or were not evaluated, and the functional significance of this variant is currently unknown. This variant disrupts a region of the BRCA2 protein in which other variant(s) (p.Tyr3308*) have been determined to be pathogenic (PMID: 17026620, 18593900, 18607349, 22711857). This suggests that this is a clinically significant region of the protein, and that variants that disrupt it are likely to be disease-causing. For these reasons, this variant has been classified as Pathogenic.

Women's Health and Genetics/Laboratory Corporation of America, LabCorp
Classification: Pathogenic for Hereditary breast ovarian cancer syndrome. Last evaluated: 2025-01-02. Review status: criteria provided, single submitter. Criteria: LabCorp Variant Classification Summary - May 2015. Collection method: clinical testing. Allele origin: germline. Not counted in ClinVar's aggregate classification.
Comment: Variant summary: BRCA2 c.9689delT (p.Leu3230TyrfsX19) results in a premature termination codon, predicted to cause a truncation of the encoded protein or absence of the protein, which are commonly known mechanisms for disease. Variant downstrean of this position (c.9924C>G, p.Tyr3308Ter) has been determinded to be pathogenic. The variant allele was found at a frequency of 4e-06 in 250150 control chromosomes. To our knowledge, no occurrence of c.9689delT in individuals affected with Hereditary Breast And Ovarian Cancer Syndrome and no experimental evidence demonstrating its impact on protein function have been reported. ClinVar contains an entry for this variant (Variation ID: 254636). Based on the evidence outlined above, the variant was classified as pathogenic.

Ambry Genetics
Classification: Pathogenic for Hereditary cancer-predisposing syndrome. Last evaluated: 2024-12-31. Review status: criteria provided, single submitter. Criteria: Ambry Variant Classification Scheme 2023. Collection method: clinical testing. Allele origin: germline. Not counted in ClinVar's aggregate classification.
Comment: The c.9689delT pathogenic mutation, located in coding exon 26 of the BRCA2 gene, results from a deletion of one nucleotide at nucleotide position 9689, causing a translational frameshift with a predicted alternate stop codon (p.L3230Yfs*19). This alteration occurs at the 3' terminus of the BRCA2 gene, is not expected to trigger nonsense-mediated mRNA decay, and only impacts the last 171 amino acids of the protein. However, premature stop codons are typically deleterious in nature and the impacted region is critical for protein function (Ambry internal data). Based on the supporting evidence, this alteration is interpreted as a disease-causing mutation.

Institute for Genomic Medicine (IGM) Clinical Laboratory, Nationwide Children's Hospital
Classification: Pathogenic for Hereditary cancer-predisposing syndrome. Last evaluated: 2024-01-31. Review status: criteria provided, single submitter. Criteria: ACMG Guidelines, 2015. Collection method: clinical testing. Allele origin: germline. Not counted in ClinVar's aggregate classification.
Comment: This variant is predicted to result in loss of function through nonsense-mediated decay of the encoded transcript or premature truncation of the encoded protein in a gene in which loss of function is a known mechanism of disease (ACMG/AMP: PVS1; PMID:20104584). This variant has been reported at an elevated frequency in affected individuals/in multiple affected individuals in the literature (ACMG/AMP: PS4_Supporting; PMID:30630528). This variant is absent from or present at an exceedingly low frequency in gnomAD, a large-scale control population database (ACMG/AMP: PM2).

Baylor Genetics
Classification: Likely pathogenic for Familial cancer of breast. Last evaluated: 2021-11-19. Review status: criteria provided, single submitter. Criteria: ACMG Guidelines, 2015. Collection method: clinical testing. Allele origin: unknown. Not counted in ClinVar's aggregate classification.

Human Genome Sequencing Center Clinical Lab, Baylor College of Medicine
Classification: Pathogenic for Familial breast-ovarian cancer 2. Last evaluated: 2018-12-18. Review status: criteria provided, single submitter. Criteria: ACMG Guidelines, 2015. Collection method: clinical testing. Allele origin: germline. Not counted in ClinVar's aggregate classification.
Comment: This c.9689delT (p.Leu3230Tyrfs*19) deletion in exon 27 of the BRCA2 gene causes a frameshift that results in an early stop codon 19 residues downstream, likely leading to nonsense-mediated mRNA decay. It has been observed once in the large population database gnomAD. While this variant is predicted to cause loss of function in a gene where this is a known mechanism of disease, there is no supporting clinical evidence that this variant is associated with hereditary breast and ovarian cancer. Therefore, the BRCA2, c.9689delT (p.Leu3230Tyrfs*19) variant is classified as pathogenic.

Literature cited by the submitters: PubMed 9126738 (cited by Color Diagnostics, LLC DBA Color Health); PubMed 9192668 (cited by Color Diagnostics, LLC DBA Color Health); PubMed 10570174 (cited by Color Diagnostics, LLC DBA Color Health); PubMed 18607349 (cited by Color Diagnostics, LLC DBA Color Health and Labcorp Genetics (formerly Invitae), Labcorp); PubMed 17026620 (cited by Labcorp Genetics (formerly Invitae), Labcorp); PubMed 18593900 (cited by Labcorp Genetics (formerly Invitae), Labcorp); PubMed 22711857 (cited by Labcorp Genetics (formerly Invitae), Labcorp); PubMed 20104584 (cited by Institute for Genomic Medicine (IGM) Clinical Laboratory, Nationwide Children's Hospital); PubMed 30630528 (cited by Institute for Genomic Medicine (IGM) Clinical Laboratory, Nationwide Children's Hospital).

NM_000059.4(BRCA2):c.9689del (p.Leu3230fs)

Gene: BRCA2 (BRCA2 DNA repair associated; plus strand). Cytogenetic location: 13q13.1.
Variant type: Deletion.
Coding change: c.9689del on transcript NM_000059.4 (MANE Select); coding-DNA position 9689, one base deleted (T; older notation c.9689delT).
Protein change: p.Leu3230fs; shifts the reading frame from leucine 3230.
Molecular consequence: frameshift variant.
Genome position (GRCh38, 1-based): chr13:32,398,202, T deleted; the last of 3 consecutive T bases (chr13:32,398,200-32,398,202); deleting any one gives the same sequence. VCF-style (leftmost placement, unchanged base first): chr13-32398199-CT-C. GRCh37 (hg19) VCF-style: chr13-32972336-CT-C.
Other names: c.9689delT (NM_000059.4, NM_000059.3); short protein forms L3230fs.
Identifiers: ClinVar variation 254636 (VCV000254636.23), dbSNP rs755175776, ClinGen allele CA6941439.
Genomic context (GRCh38, chr13:32,398,199, plus strand): 5'-CTACGTTTTCATTTTTTTATCAGATGTCTTCTCCTAATTGTGAGATATATTATCAAAGTC[CT>C]TTATCACTTTGTATGGCCAAAAGGAAGTCTGTTTCCACACCTGTCTCAGCCCAGATGACT-3'